The following is an entry in ClinVar:

NM_013275.6(ANKRD11):c.5112C>A (p.Pro1704=)

Gene: ANKRD11 (ankyrin repeat domain 11; minus strand). Cytogenetic location: 16q24.3.
Variant type: single nucleotide variant.
Coding change: c.5112C>A on transcript NM_013275.6 (MANE Select); coding-DNA position 5112, C replaced by A.
Protein change: p.Pro1704=; no amino-acid change (proline 1704 retained).
Molecular consequence: synonymous variant.
Genome position (GRCh38, 1-based): chr16:89,281,430, G>T on the plus strand (C>A on the coding strand, the complement: ANKRD11 is on the minus strand). VCF-style: chr16-89281430-G-T. GRCh37 (hg19) VCF-style: chr16-89347838-G-T.
Other names: c.5112C>A, p.Pro1704= (NM_001256182.2, NM_001256183.2).
Identifiers: ClinVar variation 588270 (VCV000588270.17), dbSNP rs141292414, ClinGen allele CA8241947.

ClinVar aggregate classification (germline): Likely benign. Review status: criteria provided, multiple submitters, no conflicts (2 of 4 stars). 4 submissions from 4 submitters: Likely benign (3). 1 of the submissions does not count toward it. Last evaluated 2024-06-07.

Conditions:
ANKRD11-related disorder. Also called: ANKRD11-related condition.
Inborn genetic diseases. Identifiers: MedGen C0950123, MeSH D030342.
KBG syndrome (KBGS). Also called: ANKRD11-Related KBG Syndrome. Identifiers: Orphanet 2332, MedGen C0220687, MONDO:0007846, OMIM 148050.

Allele frequency attached by ClinVar (database versions not stated): gnomAD 0.00009; TOPMed 0.00010.
gnomAD v4.1: 204 of 1,612,830 alleles (0.013%); highest among the groups gnomAD compares: Non-Finnish European, 0.017%; no homozygotes.

Submissions (4):

Blueprint Genetics
Classification: Likely benign. Last evaluated: 2024-06-07. Review status: criteria provided, single submitter. Criteria: ACMG Guidelines, 2015. Collection method: clinical testing. Allele origin: germline.

Labcorp Genetics (formerly Invitae), Labcorp
Classification: Likely benign for KBG syndrome. Last evaluated: 2023-10-03. Review status: criteria provided, single submitter. Criteria: Invitae Variant Classification Sherloc (09022015). Collection method: clinical testing. Allele origin: germline.

Ambry Genetics
Classification: Likely benign for Inborn genetic diseases. Last evaluated: 2016-09-15. Review status: criteria provided, single submitter. Criteria: Ambry Variant Classification Scheme 2023. Collection method: clinical testing. Allele origin: germline.

PreventionGenetics, part of Exact Sciences
Classification: Likely benign for ANKRD11-related condition. Last evaluated: 2022-10-25. Review status: no assertion criteria provided. Collection method: clinical testing. Allele origin: germline. Not counted in ClinVar's aggregate classification.
Comment: This variant is classified as likely benign based on ACMG/AMP sequence variant interpretation guidelines (Richards et al. 2015 PMID: 25741868, with internal and published modifications).